The following is an entry in ClinVar:

ClinVar aggregate classification (germline): Benign (1 of 4 stars; one submission).

Allele frequency attached by ClinVar (database versions not stated): ESP Exome Variant Server 0.18122; gnomAD 0.19743; TOPMed 0.19820; 1000 Genomes Project 30x 0.21159; 1000 Genomes Project 0.21266; gnomAD exomes 0.22104; ExAC 0.22251.
gnomAD v4.1: 298,458 of 1,366,358 alleles (22%); highest among the groups gnomAD compares: East Asian, 35%; 33,411 homozygotes.

Submission:

Unidad de Genómica Garrahan, Hospital de Pediatría Garrahan
Classification: Benign. Last evaluated: 2024-01-24. Review status: criteria provided, single submitter. Criteria: ACMG Guidelines, 2015. Collection method: clinical testing. Allele origin: germline. Affected: no. Observed: 43 variant alleles.
Comment: This variant is classified as Benign based on local population frequency. This variant was detected in 45% of patients studied by a panel of primary immunodeficiencies. Number of patients: 43. Only high quality variants are reported.

NM_000625.4(NOS2):c.1476+46C>T

Gene: NOS2 (nitric oxide synthase 2; minus strand). Cytogenetic location: 17q11.2.
Variant type: single nucleotide variant.
Coding change: c.1476+46C>T on transcript NM_000625.4 (MANE Select); 46 bases into the intron after coding-DNA position 1476, C replaced by T.
Molecular consequence: intron variant.
Genome position (GRCh38, 1-based): chr17:27,774,211, G>A on the plus strand (C>T on the coding strand, the complement: NOS2 is on the minus strand). VCF-style: chr17-27774211-G-A. GRCh37 (hg19) VCF-style: chr17-26101237-G-A.
Identifiers: ClinVar variation 2688145 (VCV002688145.2), dbSNP rs3729966, ClinGen allele CA8454730.